The following is an entry in ClinVar:

ClinVar aggregate classification (germline): Uncertain significance (1 of 4 stars; one submission).

Conditions:
Severe combined immunodeficiency due to DNA-PKcs deficiency. Also called: IMMUNODEFICIENCY 26 WITH NEUROLOGIC ABNORMALITIES; Immunodeficiency 26 with or without neurologic abnormalities. Identifiers: Orphanet 317425, MedGen C4014833, MONDO:0014423, OMIM 615966.

Allele frequency attached by ClinVar (database versions not stated): gnomAD exomes below 0.00001; TOPMed below 0.00001; gnomAD 0.00002.
gnomAD v4.1: 5 of 1,568,766 alleles (0.00032%); highest among the groups gnomAD compares: African/African-American, 0.0027%; no homozygotes.

Submission:

Labcorp Genetics (formerly Invitae), Labcorp
Classification: Uncertain significance for Severe combined immunodeficiency due to DNA-PKcs deficiency. Last evaluated: 2025-11-03. Review status: criteria provided, single submitter. Criteria: Invitae Variant Classification Sherloc (09022015). Collection method: clinical testing. Allele origin: germline.
Comment: This sequence change replaces glycine, which is neutral and non-polar, with valine, which is neutral and non-polar, at codon 1666 of the PRKDC protein (p.Gly1666Val). This variant is not present in population databases (gnomAD no frequency). This variant has not been reported in the literature in individuals affected with PRKDC-related conditions. ClinVar contains an entry for this variant (Variation ID: 1470745). Invitae Evidence Modeling of protein sequence and biophysical properties (such as structural, functional, and spatial information, amino acid conservation, physicochemical variation, residue mobility, and thermodynamic stability) indicates that this missense variant is not expected to disrupt PRKDC protein function with a negative predictive value of 80%. In summary, the available evidence is currently insufficient to determine the role of this variant in disease. Therefore, it has been classified as a Variant of Uncertain Significance.

NM_006904.7(PRKDC):c.4997G>T (p.Gly1666Val)

Gene: PRKDC (protein kinase, DNA-activated, catalytic subunit; minus strand). Cytogenetic location: 8q11.21.
Variant type: single nucleotide variant.
Coding change: c.4997G>T on transcript NM_006904.7 (MANE Select); coding-DNA position 4997, G replaced by T.
Protein change: p.Gly1666Val; replaces glycine 1666 with valine.
Molecular consequence: missense variant.
Genome position (GRCh38, 1-based): chr8:47,881,486, C>A on the plus strand (G>T on the coding strand, the complement: PRKDC is on the minus strand). VCF-style: chr8-47881486-C-A. GRCh37 (hg19) VCF-style: chr8-48794047-C-A.
Other names: c.4997G>T, p.Gly1666Val (NM_001081640.2); short protein forms G1666V.
Identifiers: ClinVar variation 1470745 (VCV001470745.5), dbSNP rs912660835, ClinGen allele CA176149620.
Genomic context (GRCh38, chr8:47,881,486, plus strand): 5'-AGATCCAGCTTTGTGTCAGCAAGTAGACTAATATATGTTGTAAAGACTTCAGGGAATGAA[C>A]CATGACTTGTATTAAAAGATACAGATGAATCAATCTAAAGGAAGGAAAAGAAAAACAGGA-3'
Protein context (NP_008835.5, residues 1656-1676): DSSVSFNTSH[Gly1666Val]SFPEVFTTYI